The following is an entry in ClinVar:

NM_002180.3(IGHMBP2):c.2185T>C (p.Phe729Leu)

Gene: IGHMBP2 (immunoglobulin mu DNA binding protein 2; plus strand). Cytogenetic location: 11q13.3.
Variant type: single nucleotide variant.
Coding change: c.2185T>C on transcript NM_002180.3 (MANE Select); coding-DNA position 2185, T replaced by C.
Protein change: p.Phe729Leu; replaces phenylalanine 729 with leucine.
Molecular consequence: missense variant.
Genome position (GRCh38, 1-based): chr11:68,936,665, T>C. VCF-style: chr11-68936665-T-C. GRCh37 (hg19) VCF-style: chr11-68704133-T-C.
Other names: short protein forms F729L.
Identifiers: ClinVar variation 1392420 (VCV001392420.4), dbSNP rs763014565, ClinGen allele CA6153853.

ClinVar aggregate classification (germline): Uncertain significance (1 of 4 stars; one submission).

Conditions:
Charcot-Marie-Tooth disease axonal type 2S. Also called: CHARCOT-MARIE-TOOTH NEUROPATHY, TYPE 2S; CHARCOT-MARIE-TOOTH DISEASE, AXONAL, AUTOSOMAL RECESSIVE, TYPE 2S. Identifiers: Orphanet 443073, MedGen C4015349, MONDO:0014511, OMIM 616155.
Autosomal recessive distal spinal muscular atrophy 1. Also called: NEURONOPATHY, DISTAL HEREDITARY MOTOR, HARDING TYPE VI; NEUROPATHY, DISTAL HEREDITARY MOTOR, AUTOSOMAL RECESSIVE 1; HMN VI; NEURONOPATHY, SEVERE INFANTILE AXONAL, WITH RESPIRATORY FAILURE; SEVERE INFANTILE AXONAL NEUROPATHY WITH RESPIRATORY FAILURE; SPINAL MUSCULAR ATROPHY, DIAPHRAGMATIC. Identifiers: Orphanet 98920, MedGen C1858517, MONDO:0011436, OMIM 604320.

Allele frequency attached by ClinVar (database versions not stated): gnomAD exomes 0.00002 and 0.00003; ExAC 0.00003.

Submission:

Labcorp Genetics (formerly Invitae), Labcorp
Classification: Uncertain significance for Autosomal recessive distal spinal muscular atrophy 1; Charcot-Marie-Tooth disease axonal type 2S. Last evaluated: 2021-08-26. Review status: criteria provided, single submitter. Criteria: Invitae Variant Classification Sherloc (09022015). Collection method: clinical testing. Allele origin: germline.
Comment: In summary, the available evidence is currently insufficient to determine the role of this variant in disease. Therefore, it has been classified as a Variant of Uncertain Significance. Advanced modeling of protein sequence and biophysical properties (such as structural, functional, and spatial information, amino acid conservation, physicochemical variation, residue mobility, and thermodynamic stability) performed at Invitae indicates that this missense variant is not expected to disrupt IGHMBP2 protein function. This sequence change replaces phenylalanine with leucine at codon 729 of the IGHMBP2 protein (p.Phe729Leu). The phenylalanine residue is weakly conserved and there is a small physicochemical difference between phenylalanine and leucine. This variant is present in population databases (rs763014565, ExAC 0.005%). This variant has not been reported in the literature in individuals affected with IGHMBP2-related conditions.